The following is an entry in ClinVar:

ClinVar aggregate classification (germline): Uncertain significance (1 of 4 stars; one submission).

Conditions:
Aortic aneurysm, familial thoracic 7 (AAT7). Also called: AORTIC DISSECTION, FAMILIAL, WITH OR WITHOUT AORTIC ANEURYSM. Identifiers: MedGen C3151077, MONDO:0013418, OMIM 613780.

Submission:

Labcorp Genetics (formerly Invitae), Labcorp
Classification: Uncertain significance for Aortic aneurysm, familial thoracic 7. Last evaluated: 2023-02-06. Review status: criteria provided, single submitter. Criteria: Invitae Variant Classification Sherloc (09022015). Collection method: clinical testing. Allele origin: germline.
Comment: This sequence change creates a premature translational stop signal (p.Thr276Profs*3) in the MYLK gene. This variant occurs in the long isoform of MYLK (PMID: 21055718). The current clinical and genetic evidence is not sufficient to establish whether loss-of-function variants in the long isoform of MYLK cause disease. In summary, the available evidence is currently insufficient to determine the role of this variant in disease. Therefore, it has been classified as a Variant of Uncertain Significance. This premature translational stop signal has been observed in individual(s) with thoracic aortic aneurysm (Invitae). This variant is not present in population databases (gnomAD no frequency).

Literature cited by the submitters: PubMed 21055718.

NM_053025.4(MYLK):c.825del (p.Thr276fs)

Gene: MYLK (myosin light chain kinase; minus strand). Cytogenetic location: 3q21.1.
Variant type: Deletion.
Coding change: c.825del on transcript NM_053025.4 (MANE Select); coding-DNA position 825, one base deleted (G; older notation c.825delG).
Protein change: p.Thr276fs; shifts the reading frame from threonine 276.
Molecular consequence: frameshift variant.
Genome position (GRCh38, 1-based): chr3:123,734,171, C deleted on the plus strand (G on the coding strand, the reverse complement: MYLK is on the minus strand). VCF-style (leftmost placement, unchanged base first): chr3-123734170-TC-T. GRCh37 (hg19) VCF-style: chr3-123453017-TC-T.
Other names: c.297del, p.Thr100fs (NM_001321309.2); c.825del, p.Thr276fs (NM_053026.4, NM_053027.4, NM_053028.4); short protein forms T100fs, T276fs.
Identifiers: ClinVar variation 2900351 (VCV002900351.3), dbSNP rs2474568511, ClinGen allele CA2739278042.